The following is an entry in ClinVar:

NM_001378609.3(OTOGL):c.3323C>T (p.Ala1108Val)

Gene: OTOGL (otogelin like; plus strand). Cytogenetic location: 12q21.31.
Variant type: single nucleotide variant.
Coding change: c.3323C>T on transcript NM_001378609.3 (MANE Select); coding-DNA position 3323, C replaced by T.
Protein change: p.Ala1108Val; replaces alanine 1108 with valine.
Molecular consequence: missense variant.
Genome position (GRCh38, 1-based): chr12:80,305,685, C>T. VCF-style: chr12-80305685-C-T. GRCh37 (hg19) VCF-style: chr12-80699465-C-T.
Other names: c.3188C>T, p.Ala1063Val (NM_001368062.3); c.3323C>T, p.Ala1108Val (NM_001378610.3, NM_173591.7); short protein forms A1099V, A1063V, A1108V.
Identifiers: ClinVar variation 667303 (VCV000667303.4), dbSNP rs1592682793, ClinGen allele CA385861366.

ClinVar aggregate classification (germline): Uncertain significance (1 of 4 stars; one submission).

Submission:

Laboratory for Molecular Medicine, Mass General Brigham Personalized Medicine
Classification: Uncertain significance. Last evaluated: 2018-08-24. Review status: criteria provided, single submitter. Criteria: LMM Criteria. Collection method: clinical testing. Allele origin: germline. Observed: 1 variant allele.
Comment: The p.Ala1099Val variant in OTOGL has not been previously reported in individual s with hearing loss and was absent from large population studies. Computational prediction tools and conservation analysis do not provide strong support for or against an impact to the protein. In summary, the clinical significance of the p .Ala1099Val variant is uncertain. ACMG/AMP Criteria applied: PM2.